The following is an entry in ClinVar:

ClinVar aggregate classification (germline): Likely pathogenic (1 of 4 stars; one submission).

Conditions:
Hereditary spastic paraplegia 10 (SPG10). Also called: SPASTIC PARAPLEGIA 10, AUTOSOMAL DOMINANT; SPASTIC PARAPLEGIA 10 WITH OR WITHOUT PERIPHERAL NEUROPATHY; SPASTIC PARAPLEGIA 10 WITH PERIPHERAL NEUROPATHY. Identifiers: Orphanet 100991, MedGen C1858712, MONDO:0011408, OMIM 604187.

Submission:

MGZ Medical Genetics Center
Classification: Likely pathogenic for Hereditary spastic paraplegia 10. Last evaluated: 2022-06-22. Review status: criteria provided, single submitter. Criteria: ACMG Guidelines, 2015. Collection method: clinical testing. Allele origin: germline. Affected: yes. Observed: 1 variant allele.
Comment: ACMG criteria applied: PS3_MOD, PM2_SUP, PP1, PP2, PP3

NM_004984.4(KIF5A):c.217G>A (p.Asp73Asn)

Gene: KIF5A (kinesin family member 5A; plus strand). Cytogenetic location: 12q13.3.
Variant type: single nucleotide variant.
Coding change: c.217G>A on transcript NM_004984.4 (MANE Select); coding-DNA position 217, G replaced by A.
Protein change: p.Asp73Asn; replaces aspartic acid 73 with asparagine.
Molecular consequence: missense variant. On other transcripts: intron variant (1).
Genome position (GRCh38, 1-based): chr12:57,563,526, G>A. VCF-style: chr12-57563526-G-A. GRCh37 (hg19) VCF-style: chr12-57957309-G-A.
Other names: c.130-934G>A (NM_001354705.2); short protein forms D73N.
Identifiers: ClinVar variation 1709386 (VCV001709386.2), dbSNP rs2540492992, ClinGen allele CA385492999.